The following is an entry in ClinVar:

NM_001142864.4(PIEZO1):c.4948C>T (p.Leu1650=)

Gene: PIEZO1 (piezo type mechanosensitive ion channel component 1 (Er blood group); minus strand). Cytogenetic location: 16q24.3.
Variant type: single nucleotide variant.
Coding change: c.4948C>T on transcript NM_001142864.4 (MANE Select); coding-DNA position 4948, C replaced by T.
Protein change: p.Leu1650=; no amino-acid change (leucine 1650 retained).
Molecular consequence: synonymous variant.
Genome position (GRCh38, 1-based): chr16:88,722,225, G>A on the plus strand (C>T on the coding strand, the complement: PIEZO1 is on the minus strand). VCF-style: chr16-88722225-G-A. GRCh37 (hg19) VCF-style: chr16-88788633-G-A.
Other names: c.3490C>T, p.Leu1164= (NM_014745.1).
Identifiers: ClinVar variation 3029479 (VCV003029479.3), dbSNP rs1325947507, ClinGen allele CA497365548.
Genomic context (GRCh38, chr16:88,722,225, plus strand): 5'-GCTGCTCCCCGAGGGCCATGGTGAGGCTGGTGTTGTGCGCGTCCCGCCCCCACCTGTCCA[G>A]GAGCAGCTCGCTGGCCGTCCGCATCAGTCCCTGGTACAGAGAGGCACCAGCCTCACGCTC-3'
Protein context (NP_001136336.2, residues 1640-1660): GLMRTASELL[Leu1650=]DRRLRIPELE

ClinVar aggregate classification (germline): Likely benign. Review status: criteria provided, single submitter (1 of 4 stars). 2 submissions from 2 submitters: Likely benign (1). 1 of the submissions does not count toward it. Last evaluated 2024-12-13.

Conditions:
PIEZO1-related disorder. Also called: PIEZO1-related condition; PIEZO1-Related Disorders.

Allele frequency attached by ClinVar (database versions not stated): gnomAD 0.00001; gnomAD exomes 0.00001.
gnomAD v4.1: 16 of 1,546,478 alleles (0.001%); highest among the groups gnomAD compares: Non-Finnish European, 0.0012%; no homozygotes.

Submissions (2):

ARUP Laboratories, Molecular Genetics and Genomics, ARUP Laboratories
Classification: Likely benign. Last evaluated: 2024-12-13. Review status: criteria provided, single submitter. Criteria: ARUP Molecular Germline Variant Investigation Process 2024. Collection method: clinical testing. Allele origin: germline.

PreventionGenetics, part of Exact Sciences
Classification: Likely benign for PIEZO1-related condition. Last evaluated: 2022-02-22. Review status: no assertion criteria provided. Collection method: clinical testing. Allele origin: germline. Not counted in ClinVar's aggregate classification.
Comment: This variant is classified as likely benign based on ACMG/AMP sequence variant interpretation guidelines (Richards et al. 2015 PMID: 25741868, with internal and published modifications).